The following is an entry in ClinVar:

ClinVar aggregate classification (germline): Pathogenic/Likely pathogenic. Review status: criteria provided, multiple submitters, no conflicts (2 of 4 stars). 2 submissions from 2 submitters: Pathogenic (1); Likely pathogenic (1). Last evaluated 2025-09-11.

Conditions:
Autosomal recessive Alport syndrome (ATS2). Also called: Alport syndrome type 2; ALPORT SYNDROME 2, AUTOSOMAL RECESSIVE; COL4A3-Related Nephropathy; COL4A4 Alport Syndrome and Thin Basement Membrane Nephropathy. Identifiers: Orphanet 63, Orphanet 88919, MedGen C4746745, MONDO:0008762, OMIM 203780.
Alport syndrome. Also called: Hemorrhagic familial nephritis; Hemorrhagic hereditary nephritis; Congenital hereditary hematuria. Identifiers: Orphanet 63, MedGen C1567741, MONDO:0018965.

Submissions (2):

Variantyx, Inc.
Classification: Likely pathogenic for Autosomal recessive Alport syndrome. Last evaluated: 2025-09-11. Review status: criteria provided, single submitter. Criteria: Variantyx Assertion Criteria 2022. Collection method: clinical testing. Allele origin: germline. Inheritance: Autosomal recessive inheritance. Affected: yes.
Comment: This is a frameshift variant in the COL4A4 gene (OMIM: 120131). Pathogenic variants in this gene have been associated with autosomal recessive COL4A4-related Alport spectrum. This variant introduces a premature termination codon in exon 41 out of 48 and is expected to result in loss of function, which is a known disease mechanism for COL4A4 in this disorder (PMID: 12325029) (PVS1). The alteration is absent from control populations (PM2), and it has not been reported in individuals with COL4A4-related disorders in the databases available for review. Based on the current evidence, this variant is classified as likely pathogenic for autosomal recessive COL4A4-related Alport spectrum. Heterozygous carriers of pathogenic variants typically present with isolated, benign hematuria and penetrance is incomplete (PMID: 36090501, 30450445, 29551517).

Myriad Genetics, Inc.
Classification: Pathogenic for Alport syndrome. Last evaluated: 2025-07-15. Review status: criteria provided, single submitter. Criteria: Myriad Autosomal Dominant, Autosomal Recessive and X-Linked Classification Criteria (2023). Collection method: clinical testing. Allele origin: unknown.
Comment: NM_000092.4(COL4A4):c.3914delC(P1305Hfs*83) is expected to be pathogenic in the context of Alport syndrome, COL4A4-related. This variant is predicted to lead to an abnormal or absent protein product due to the creation of a premature termination codon in COL4A4, a gene where loss-of-function variants are known to be pathogenic. Please note: this variant was assessed in the context of healthy population screening.

Literature cited by the submitters: PubMed 12325029 (cited by Variantyx, Inc.); PubMed 36090501 (cited by Variantyx, Inc.); PubMed 30450445 (cited by Variantyx, Inc.); PubMed 29551517 (cited by Variantyx, Inc.).

NM_000092.5(COL4A4):c.3914del (p.Pro1305fs)

Gene: COL4A4 (collagen type IV alpha 4 chain; minus strand). Cytogenetic location: 2q36.3.
Variant type: Deletion.
Coding change: c.3914del on transcript NM_000092.5 (MANE Select); coding-DNA position 3914, one base deleted (C; older notation c.3914delC).
Protein change: p.Pro1305fs; shifts the reading frame from proline 1305.
Molecular consequence: frameshift variant.
Genome position (GRCh38, 1-based): chr2:227,030,502, G deleted on the plus strand (C on the coding strand, the reverse complement: COL4A4 is on the minus strand); the first of 3 consecutive G bases (chr2:227,030,502-227,030,504); deleting any one gives the same sequence. VCF-style (leftmost placement, unchanged base first): chr2-227030501-TG-T. GRCh37 (hg19) VCF-style: chr2-227895217-TG-T.
Other names: short protein forms P1305fs.
Identifiers: ClinVar variation 4852198 (VCV004852198.2).